The following is an entry in ClinVar:

NM_006929.5(SKIC2):c.1065-2A>G

Genes: SKIC2 (SKI2 subunit of superkiller complex; plus strand), LOC126859653 (CDK7 strongly-dependent group 2 enhancer GRCh37_chr6:31929542-31930741; plus strand). Cytogenetic location: 6p21.33.
Variant type: single nucleotide variant.
Coding change: c.1065-2A>G on transcript NM_006929.5 (MANE Select); the canonical splice acceptor site of the intron before coding-DNA position 1065, A replaced by G.
Molecular consequence: splice acceptor variant.
Genome position (GRCh38, 1-based): chr6:31,962,437, A>G. VCF-style: chr6-31962437-A-G. GRCh37 (hg19) VCF-style: chr6-31930214-A-G.
Identifiers: ClinVar variation 2501187 (VCV002501187.4), dbSNP rs377014444, ClinGen allele CA3729348.

ClinVar aggregate classification (germline): Likely pathogenic. Review status: criteria provided, multiple submitters, no conflicts (2 of 4 stars). 2 submissions from 2 submitters: Likely pathogenic (2). Last evaluated 2025-12-16.

Conditions:
Trichohepatoenteric syndrome. Also called: THE SYNDROME; Syndromic diarrhea; Tricho-hepato-enteric syndrome. Identifiers: Orphanet 84064, MedGen C1857276, MONDO:0009105.

Allele frequency attached by ClinVar (database versions not stated): gnomAD exomes 0.00001; ESP Exome Variant Server 0.00008; ExAC 0.00001.
gnomAD v4.1: 8 of 1,614,086 alleles (0.0005%); highest among the groups gnomAD compares: Non-Finnish European, 0.00068%; no homozygotes.

Submissions (2):

Labcorp Genetics (formerly Invitae), Labcorp
Classification: Likely pathogenic. Last evaluated: 2025-12-16. Review status: criteria provided, single submitter. Criteria: Invitae Variant Classification Sherloc (09022015). Collection method: clinical testing. Allele origin: germline.
Comment: This sequence change affects an acceptor splice site in intron 10 of the SKIV2L gene. It is expected to disrupt RNA splicing. Variants that disrupt the donor or acceptor splice site typically lead to a loss of protein function (PMID: 16199547), and loss-of-function variants in SKIV2L are known to be pathogenic (PMID: 22444670). This variant is present in population databases (rs377014444, gnomAD 0.0009%). This variant has not been reported in the literature in individuals affected with SKIV2L-related conditions. ClinVar contains an entry for this variant (Variation ID: 2501187). Algorithms developed to predict the effect of sequence changes on RNA splicing suggest that this variant may disrupt the consensus splice site. In summary, the currently available evidence indicates that the variant is pathogenic, but additional data are needed to prove that conclusively. Therefore, this variant has been classified as Likely Pathogenic.

Women's Health and Genetics/Laboratory Corporation of America, LabCorp
Classification: Likely pathogenic for Trichohepatoenteric syndrome. Last evaluated: 2023-03-24. Review status: criteria provided, single submitter. Criteria: LabCorp Variant Classification Summary - May 2015. Collection method: clinical testing. Allele origin: germline.
Comment: Variant summary: SKIV2L c.1065-2A>G is located in a canonical splice-site and is predicted to affect mRNA splicing resulting in a significantly altered protein due to either exon skipping, shortening, or inclusion of intronic material. One computational tool predicts the variant weakens a 3 prime acceptor site. However, these predictions have yet to be confirmed by functional studies. The variant was absent in 251364 control chromosomes. To our knowledge, no occurrence of c.1065-2A>G in individuals affected with Trichohepatoenteric Syndrome and no experimental evidence demonstrating its impact on protein function have been reported. No clinical diagnostic laboratories have submitted clinical-significance assessments for this variant to ClinVar after 2014. Based on the evidence outlined above, the variant was classified as likely pathogenic.

Literature cited by the submitters: PubMed 16199547 (cited by Labcorp Genetics (formerly Invitae), Labcorp); PubMed 22444670 (cited by Labcorp Genetics (formerly Invitae), Labcorp).